The following is an entry in ClinVar:

ClinVar aggregate classification (germline): Pathogenic (1 of 4 stars; one submission).

gnomAD v4.1: 1 of 1,613,412 alleles (0.000062%); highest among the groups gnomAD compares: Non-Finnish European, 0.000085%; no homozygotes.

Submission:

Labcorp Genetics (formerly Invitae), Labcorp
Classification: Pathogenic. Last evaluated: 2025-11-03. Review status: criteria provided, single submitter. Criteria: Invitae Variant Classification Sherloc (09022015). Collection method: clinical testing. Allele origin: germline.
Comment: This sequence change creates a premature translational stop signal (p.Trp164*) in the TRMT10A gene. It is expected to result in an absent or disrupted protein product. Loss-of-function variants in TRMT10A are known to be pathogenic (PMID: 24204302, 26535115). This variant is not present in population databases (gnomAD no frequency). This variant has not been reported in the literature in individuals affected with TRMT10A-related conditions. For these reasons, this variant has been classified as Pathogenic.

Literature cited by the submitters: PubMed 24204302; PubMed 26535115.

NM_001134665.3(TRMT10A):c.492G>A (p.Trp164Ter)

Gene: TRMT10A (tRNA methyltransferase 10A; minus strand). Cytogenetic location: 4q23.
Variant type: single nucleotide variant.
Coding change: c.492G>A on transcript NM_001134665.3 (MANE Select); coding-DNA position 492, G replaced by A.
Protein change: p.Trp164Ter; replaces tryptophan 164 with a stop codon.
Molecular consequence: nonsense.
Genome position (GRCh38, 1-based): chr4:99,556,149, C>T on the plus strand (G>A on the coding strand, the complement: TRMT10A is on the minus strand). VCF-style: chr4-99556149-C-T. GRCh37 (hg19) VCF-style: chr4-100477306-C-T.
Other names: c.492G>A, p.Trp164Ter (NM_001134666.3, NM_001375880.1, NM_001375881.1 and 2 more transcripts); short protein forms W164*.
Identifiers: ClinVar variation 4804695 (VCV004804695.1).
Genomic context (GRCh38, chr4:99,556,149, plus strand): 5'-ACCTTTAGAAACATAAAAATACTTGGAATTATGTGAGAGTTTATCTGTTTTAATTACCTT[C>T]CAGTTGACCCATCCTTTGTCATTTTCATCCATGTTCTTTTTCAGCTGGCCTCCGTGGCTT-3'